The following is an entry in ClinVar:

ClinVar aggregate classification (germline): Uncertain significance (1 of 4 stars; one submission).

Conditions:
Hereditary nonpolyposis colorectal neoplasms. Identifiers: MedGen C0009405, MeSH D003123.

Allele frequency attached by ClinVar (database versions not stated): TOPMed below 0.00001.

Submission:

Labcorp Genetics (formerly Invitae), Labcorp
Classification: Uncertain significance for Hereditary nonpolyposis colorectal neoplasms. Last evaluated: 2018-04-24. Review status: criteria provided, single submitter. Criteria: Invitae Variant Classification Sherloc (09022015). Collection method: clinical testing. Allele origin: germline.
Comment: Algorithms developed to predict the effect of missense changes on protein structure and function (SIFT, PolyPhen-2, Align-GVGD) all suggest that this variant is likely to be disruptive, but these predictions have not been confirmed by published functional studies and their clinical significance is uncertain. This variant has not been reported in the literature in individuals with MSH6-related disease. This variant is not present in population databases (ExAC no frequency). This sequence change replaces aspartic acid with valine at codon 1112 of the MSH6 protein (p.Asp1112Val). The aspartic acid residue is highly conserved and there is a large physicochemical difference between aspartic acid and valine. In summary, the available evidence is currently insufficient to determine the role of this variant in disease. Therefore, it has been classified as a Variant of Uncertain Significance.

NM_000179.3(MSH6):c.3335A>T (p.Asp1112Val)

Gene: MSH6 (mutS homolog 6; plus strand). Cytogenetic location: 2p16.3.
Variant type: single nucleotide variant.
Coding change: c.3335A>T on transcript NM_000179.3 (MANE Select); coding-DNA position 3335, A replaced by T.
Protein change: p.Asp1112Val; replaces aspartic acid 1112 with valine.
Molecular consequence: missense variant.
Genome position (GRCh38, 1-based): chr2:47,803,582, A>T. VCF-style: chr2-47803582-A-T. GRCh37 (hg19) VCF-style: chr2-48030721-A-T.
Other names: c.2945A>T, p.Asp982Val (NM_001281492.2); c.2429A>T, p.Asp810Val (NM_001281493.2, NM_001281494.2); short protein forms D1112V, D982V, D810V.
Identifiers: ClinVar variation 572320 (VCV000572320.9), dbSNP rs1165839059, ClinGen allele CA346758730.